The following is an entry in ClinVar:

NM_001256789.3(CACNA1F):c.1685C>T (p.Thr562Met)

Gene: CACNA1F (calcium voltage-gated channel subunit alpha1 F; minus strand). Cytogenetic location: Xp11.23.
Variant type: single nucleotide variant.
Coding change: c.1685C>T on transcript NM_001256789.3 (MANE Select); coding-DNA position 1685, C replaced by T.
Protein change: p.Thr562Met; replaces threonine 562 with methionine.
Molecular consequence: missense variant.
Genome position (GRCh38, 1-based): chrX:49,224,953, G>A on the plus strand (C>T on the coding strand, the complement: CACNA1F is on the minus strand). VCF-style: chrX-49224953-G-A. GRCh37 (hg19) VCF-style: chrX-49081415-G-A.
Other names: c.1523C>T, p.Thr508Met (NM_001256790.3); c.1718C>T, p.Thr573Met (NM_005183.4); c.1718C>T (NM_005183.3); short protein forms T562M, T573M, T508M.
Identifiers: ClinVar variation 2272884 (VCV002272884.6), dbSNP rs377121355, ClinGen allele CA10410809.

ClinVar aggregate classification (germline): Uncertain significance. Review status: criteria provided, multiple submitters, no conflicts (2 of 4 stars). 3 submissions from 3 submitters: Uncertain significance (3). Last evaluated 2025-12-11.

Conditions:
CACNA1F-related disorder. Also called: CACNA1F-related condition.
Inborn genetic diseases. Identifiers: MedGen C0950123, MeSH D030342.

Allele frequency attached by ClinVar (database versions not stated): gnomAD exomes 0.00001; ExAC 0.00005; gnomAD 0.00007; ESP Exome Variant Server 0.00009; TOPMed 0.00013.
gnomAD v4.1: 22 of 1,200,443 alleles (0.0018%); highest among the groups gnomAD compares: African/African-American, 0.019%; no homozygotes.

Submissions (3):

PreventionGenetics, part of Exact Sciences
Classification: Uncertain significance for CACNA1F-related condition. Last evaluated: 2025-12-11. Review status: criteria provided, single submitter. Criteria: ACMG Guidelines, 2015. Collection method: clinical testing. Allele origin: germline.
Comment: The CACNA1F c.1718C>T variant is predicted to result in the amino acid substitution p.Thr573Met. To our knowledge, this variant has not been reported in the literature. This variant is reported in 0.016% of alleles in individuals of African descent in gnomAD. At this time, the clinical significance of this variant is uncertain due to the absence of conclusive functional and genetic evidence.

Labcorp Genetics (formerly Invitae), Labcorp
Classification: Uncertain significance. Last evaluated: 2023-07-10. Review status: criteria provided, single submitter. Criteria: Invitae Variant Classification Sherloc (09022015). Collection method: clinical testing. Allele origin: germline.
Comment: In summary, the available evidence is currently insufficient to determine the role of this variant in disease. Therefore, it has been classified as a Variant of Uncertain Significance. Advanced modeling of protein sequence and biophysical properties (such as structural, functional, and spatial information, amino acid conservation, physicochemical variation, residue mobility, and thermodynamic stability) performed at Invitae indicates that this missense variant is not expected to disrupt CACNA1F protein function. This sequence change replaces threonine, which is neutral and polar, with methionine, which is neutral and non-polar, at codon 573 of the CACNA1F protein (p.Thr573Met). ClinVar contains an entry for this variant (Variation ID: 2272884). This variant has not been reported in the literature in individuals affected with CACNA1F-related conditions. The frequency data for this variant in the population databases is considered unreliable, as metrics indicate poor data quality at this position in the gnomAD database.

Ambry Genetics
Classification: Uncertain significance for Inborn genetic diseases. Last evaluated: 2022-01-26. Review status: criteria provided, single submitter. Criteria: Ambry Variant Classification Scheme 2023. Collection method: clinical testing. Allele origin: germline.